The following is an entry in ClinVar:

ClinVar aggregate classification (germline): Conflicting classifications of pathogenicity. Review status: criteria provided, conflicting classifications (1 of 4 stars). 3 submissions from 3 submitters: Uncertain significance (2); Likely benign (1). Last evaluated 2025-07-28.

Conditions:
Hereditary breast ovarian cancer syndrome. Also called: Hereditary breast and ovarian cancer; Hereditary breast and ovarian cancer syndrome; Breast and ovarian cancer; BRCA1- and BRCA2-Associated Hereditary Breast and Ovarian Cancer; Hereditary breast and ovarian cancer syndrome (HBOC); Hereditary breast and/or ovarian cancer syndrome. Identifiers: Orphanet 145, MedGen C0677776, MeSH D061325, MONDO:0003582. Disease mechanism: loss of function.
Hereditary cancer-predisposing syndrome. Also called: Hereditary Cancer Syndrome; Hereditary neoplastic syndrome; Tumor predisposition; Neoplastic Syndromes, Hereditary. Identifiers: Orphanet 140162, MedGen C0027672, MeSH D009386, MONDO:0015356.

Submissions (3):

Color Diagnostics, LLC DBA Color Health
Classification: Uncertain significance for Hereditary cancer-predisposing syndrome. Last evaluated: 2025-07-28. Review status: criteria provided, single submitter. Criteria: ACMG Guidelines, 2015. Collection method: clinical testing. Allele origin: germline.
Comment: This missense variant replaces asparagine with aspartic acid at codon 1034 of the BRCA1 protein. Computational prediction suggests that this variant may not impact protein structure and function. To our knowledge, functional studies have not been reported for this variant. This variant has not been reported in individuals affected with BRCA1-related disorders in the literature. This variant has not been identified in the general population by the Genome Aggregation Database (gnomAD). The available evidence is insufficient to determine the role of this variant in disease conclusively. Therefore, this variant is classified as a Variant of Uncertain Significance.

Labcorp Genetics (formerly Invitae), Labcorp
Classification: Uncertain significance for Hereditary breast ovarian cancer syndrome. Last evaluated: 2024-03-26. Review status: criteria provided, single submitter. Criteria: Invitae Variant Classification Sherloc (09022015). Collection method: clinical testing. Allele origin: germline.
Comment: This sequence change replaces asparagine, which is neutral and polar, with aspartic acid, which is acidic and polar, at codon 1034 of the BRCA1 protein (p.Asn1034Asp). This variant is not present in population databases (gnomAD no frequency). This variant has not been reported in the literature in individuals affected with BRCA1-related conditions. ClinVar contains an entry for this variant (Variation ID: 1398452). Advanced modeling of protein sequence and biophysical properties (such as structural, functional, and spatial information, amino acid conservation, physicochemical variation, residue mobility, and thermodynamic stability) performed at Invitae indicates that this missense variant is not expected to disrupt BRCA1 protein function with a negative predictive value of 95%. In summary, the available evidence is currently insufficient to determine the role of this variant in disease. Therefore, it has been classified as a Variant of Uncertain Significance.

University of Washington Department of Laboratory Medicine, University of Washington
Classification: Likely benign for Hereditary cancer-predisposing syndrome. Last evaluated: 2023-03-23. Review status: criteria provided, single submitter. Criteria: Dines et al. (Genet Med. 2020). Collection method: curation. Allele origin: germline.
Comment: Missense variant in a coldspot region where missense variants are very unlikely to be pathogenic (PMID:31911673).

BRCA1 coldspot (exon 11 using historical exon numbering). Reclassification based on statistical prior probability

NM_007294.4(BRCA1):c.3100A>G (p.Asn1034Asp)

Gene: BRCA1 (BRCA1 DNA repair associated; minus strand). Cytogenetic location: 17q21.31.
Variant type: single nucleotide variant.
Coding change: c.3100A>G on transcript NM_007294.4 (MANE Select); coding-DNA position 3100, A replaced by G.
Protein change: p.Asn1034Asp; replaces asparagine 1034 with aspartic acid.
Molecular consequence: missense variant. On other transcripts: intron variant (137).
Genome position (GRCh38, 1-based): chr17:43,092,431, T>C on the plus strand (A>G on the coding strand, the complement: BRCA1 is on the minus strand). VCF-style: chr17-43092431-T-C. GRCh37 (hg19) VCF-style: chr17-41244448-T-C.
Other names: c.2887A>G, p.Asn963Asp (NM_001407571.1, NM_001407853.1, NM_001407894.1 and 9 more transcripts); c.3100A>G, p.Asn1034Asp (NM_001407581.1, NM_001407582.1, NM_001407583.1 and 30 more transcripts); c.3097A>G, p.Asn1033Asp (NM_001407587.1, NM_001407590.1, NM_001407591.1 and 22 more transcripts); c.3091A>G, p.Asn1031Asp (NM_001407646.1, NM_001407647.1); c.2977A>G, p.Asn993Asp (NM_001407648.1, NM_001407664.1, NM_001407665.1 and 19 more transcripts); c.2974A>G, p.Asn992Asp (NM_001407649.1, NM_001407670.1, NM_001407671.1 and 11 more transcripts); c.3022A>G, p.Asn1008Asp (NM_001407653.1, NM_001407654.1, NM_001407655.1 and 4 more transcripts); c.3019A>G, p.Asn1007Asp (NM_001407659.1, NM_001407660.1, NM_001407661.1 and 1 more transcripts); and 41 more; short protein forms N1034D, N987D, N1031D, N907D, N946D, N963D, N964D, N967D.
Identifiers: ClinVar variation 1398452 (VCV001398452.9), dbSNP rs2154342594, ClinGen allele CA10595789.